The following is an entry in ClinVar:

ClinVar aggregate classification (germline): Likely benign. Review status: criteria provided, multiple submitters, no conflicts (2 of 4 stars). 3 submissions from 3 submitters: Likely benign (3). Last evaluated 2024-09-01.

Conditions:
Malignant hyperthermia, susceptibility to, 1 (MHS1). Also called: RYR1-Related Malignant Hyperthermia Susceptibility; Malignant hyperthermia suceptibility 1; Anesthesia related hyperthermia; Malignant hyperpyrexia; Fulminating hyperpyrexia; Pharmacogenic myopathy. Identifiers: Orphanet 423, MedGen C2930980, MONDO:0007783, OMIM 145600.
RYR1-related disorder. Also called: RYR1-related condition; RYR1-related disorders. Identifiers: MedGen CN239331.

Allele frequency attached by ClinVar (database versions not stated): gnomAD exomes below 0.00001; TOPMed below 0.00001; gnomAD 0.00001.
gnomAD v4.1: 3 of 1,609,746 alleles (0.00019%); highest among the groups gnomAD compares: African/African-American, 0.0013%; no homozygotes.

Submissions (3):

CeGaT Center for Human Genetics Tuebingen
Classification: Likely benign. Last evaluated: 2024-09-01. Review status: criteria provided, single submitter. Criteria: CeGaT Center For Human Genetics Tuebingen Variant Classification Criteria Version 2. Collection method: clinical testing. Allele origin: germline. Affected: yes. Observed: 1 variant allele.
Comment: RYR1: BP4, BP7

All of Us Research Program, National Institutes of Health
Classification: Likely benign for Malignant hyperthermia, susceptibility to, 1. Last evaluated: 2024-04-16. Review status: criteria provided, single submitter. Criteria: ACMG Guidelines, 2015. Collection method: clinical testing. Allele origin: germline. Inheritance: Autosomal dominant inheritance. Observed: 1 variant allele, 1 heterozygote.
Comment: This study involves interpretation of variants in research participants for the purpose of population health screening. Participant phenotype was not available at the time of variant classification. Additional details can be found in publication PMID: 35346344, PMCID: PMC8962531

Labcorp Genetics (formerly Invitae), Labcorp
Classification: Likely benign for RYR1-related disorder. Last evaluated: 2023-06-24. Review status: criteria provided, single submitter. Criteria: Invitae Variant Classification Sherloc (09022015). Collection method: clinical testing. Allele origin: germline.

NM_000540.3(RYR1):c.816C>T (p.His272=)

Gene: RYR1 (ryanodine receptor 1; plus strand). Cytogenetic location: 19q13.2.
Variant type: single nucleotide variant.
Coding change: c.816C>T on transcript NM_000540.3 (MANE Select); coding-DNA position 816, C replaced by T.
Protein change: p.His272=; no amino-acid change (histidine 272 retained).
Molecular consequence: synonymous variant.
Genome position (GRCh38, 1-based): chr19:38,448,370, C>T. VCF-style: chr19-38448370-C-T. GRCh37 (hg19) VCF-style: chr19-38939010-C-T.
Other names: c.816C>T, p.His272= (NM_001042723.2).
Identifiers: ClinVar variation 2918949 (VCV002918949.18), dbSNP rs1272883411, ClinGen allele CA507241992.